The following is an entry in ClinVar:

ClinVar aggregate classification (germline): Uncertain significance (1 of 4 stars; one submission).

Conditions:
Cardiovascular phenotype. Identifiers: MedGen CN230736.

Submission:

Ambry Genetics
Classification: Uncertain significance for Cardiovascular phenotype. Last evaluated: 2019-04-19. Review status: criteria provided, single submitter. Criteria: Ambry Variant Classification Scheme 2023. Collection method: clinical testing. Allele origin: germline.
Comment: The p.P12915R variant (also known as c.38744C>G), located in coding exon 141 of the TTN gene, results from a C to G substitution at nucleotide position 38744. The proline at codon 12915 is replaced by arginine, an amino acid with dissimilar properties. This amino acid position is highly conserved in available vertebrate species. In addition, the in silico prediction for this alteration is inconclusive. Since supporting evidence is limited at this time, the clinical significance of this alteration remains unclear.

NM_001267550.2(TTN):c.65939C>G (p.Pro21980Arg)

Genes: TTN (titin; minus strand), TTN-AS1 (TTN antisense RNA 1; plus strand). Cytogenetic location: 2q31.2.
Variant type: single nucleotide variant.
Coding change: c.65939C>G on transcript NM_001267550.2 (MANE Select); coding-DNA position 65939, C replaced by G.
Protein change: p.Pro21980Arg; replaces proline 21980 with arginine.
Molecular consequence: missense variant.
Genome position (GRCh38, 1-based): chr2:178,582,517, G>C on the plus strand (C>G on the coding strand, the complement: TTN is on the minus strand). VCF-style: chr2-178582517-G-C. GRCh37 (hg19) VCF-style: chr2-179447244-G-C.
Other names: c.61016C>G, p.Pro20339Arg (NM_001256850.1); c.38744C>G, p.Pro12915Arg (NM_003319.4); c.58235C>G, p.Pro19412Arg (NM_133378.4); c.39119C>G, p.Pro13040Arg (NM_133432.3); c.39320C>G, p.Pro13107Arg (NM_133437.4); short protein forms P12915R, P19412R, P21980R, P13040R, P20339R, P13107R.
Identifiers: ClinVar variation 1735736 (VCV001735736.2), dbSNP rs2048005912, ClinGen allele CA349430246.